The following is an entry in ClinVar:

ClinVar aggregate classification (germline): Uncertain significance (1 of 4 stars; one submission).

Conditions:
Cardiovascular phenotype. Identifiers: MedGen CN230736.

Submission:

Ambry Genetics
Classification: Uncertain significance for Cardiovascular phenotype. Last evaluated: 2026-04-27. Review status: criteria provided, single submitter. Criteria: Ambry Variant Classification Scheme 2023. Collection method: clinical testing. Allele origin: germline.
Comment: The p.I240F variant (also known as c.718A>T), located in coding exon 6 of the AKAP9 gene, results from an A to T substitution at nucleotide position 718. The isoleucine at codon 240 is replaced by phenylalanine, an amino acid with highly similar properties. This amino acid position is conserved. In addition, this alteration is predicted to be tolerated by in silico analysis. Based on the available evidence, the clinical significance of this variant remains unclear.

NM_005751.5(AKAP9):c.718A>T (p.Ile240Phe)

Gene: AKAP9 (A-kinase anchoring protein 9; plus strand). Cytogenetic location: 7q21.2.
Variant type: single nucleotide variant.
Coding change: c.718A>T on transcript NM_005751.5 (MANE Select); coding-DNA position 718, A replaced by T.
Protein change: p.Ile240Phe; replaces isoleucine 240 with phenylalanine.
Molecular consequence: missense variant.
Genome position (GRCh38, 1-based): chr7:91,994,762, A>T. VCF-style: chr7-91994762-A-T. GRCh37 (hg19) VCF-style: chr7-91624076-A-T.
Other names: c.718A>T, p.Ile240Phe (NM_147185.3); short protein forms I240F.
Identifiers: ClinVar variation 4869010 (VCV004869010.1).
Genomic context (GRCh38, chr7:91,994,762, plus strand): 5'-GAAAAGGATGAGACAATGAGAGAATTTTTAGAGTTGACAGAACAGAGTCAAAAATTACAG[A>T]TTCAATTTCAGCAAGTAAGTATTACTAATGCAACAAAATTCATTATTTTTTTAGTAATGA-3'
Protein context (NP_005742.4, residues 230-250): ELTEQSQKLQ[Ile240Phe]QFQQLQASET